The following is an entry in ClinVar:

ClinVar aggregate classification (germline): Uncertain significance (1 of 4 stars; one submission).

Submission:

Dasa
Classification: Uncertain significance. Last evaluated: 2026-04-17. Review status: criteria provided, single submitter. Criteria: DASA Assertion Criteria. Collection method: clinical testing. Allele origin: germline.
Comment: NM_003070.5(SMARCA2):c.2506G>A (p.Asp836Asn) is a missense variant that results in the substitution of aspartic acid with asparagine. The affected residue or protein region has prior evidence supporting clinical relevance. This variant is rare in population databases. Computational prediction algorithms are consistent with a deleterious effect. The currently available literature and clinical evidence are not sufficient to establish a definitive association between this variant and the reported condition. Therefore, this variant is classified as a variant of uncertain significance.

NM_003070.5(SMARCA2):c.2506G>A (p.Asp836Asn)

Gene: SMARCA2 (SWI/SNF related BAF chromatin remodeling complex subunit ATPase 2; plus strand). Cytogenetic location: 9p24.3.
Variant type: single nucleotide variant.
Coding change: c.2506G>A on transcript NM_003070.5 (MANE Select); coding-DNA position 2506, G replaced by A.
Protein change: p.Asp836Asn; replaces aspartic acid 836 with asparagine.
Molecular consequence: missense variant.
Genome position (GRCh38, 1-based): chr9:2,084,176, G>A. VCF-style: chr9-2084176-G-A. GRCh37 (hg19) VCF-style: chr9-2084176-G-A.
Other names: c.2506G>A, p.Asp836Asn (NM_001289396.2, NM_001289397.2, NM_139045.4); short protein forms D836N.
Identifiers: ClinVar variation 4880848 (VCV004880848.2).